The following is an entry in ClinVar:

NM_000340.2(SLC2A2):c.1170+2T>C

Gene: SLC2A2 (solute carrier family 2 member 2; minus strand). Cytogenetic location: 3q26.2.
Variant type: single nucleotide variant.
Coding change: c.1170+2T>C on transcript NM_000340.2 (MANE Select); the canonical splice donor site of the intron after coding-DNA position 1170, T replaced by C.
Molecular consequence: splice donor variant.
Genome position (GRCh38, 1-based): chr3:170,999,063, A>G on the plus strand (T>C on the coding strand, the complement: SLC2A2 is on the minus strand). VCF-style: chr3-170999063-A-G. GRCh37 (hg19) VCF-style: chr3-170716852-A-G.
Other names: c.813+2T>C (NM_001278658.2); c.651+2T>C (NM_001278659.2).
Identifiers: ClinVar variation 4994234 (VCV004994234.1).

ClinVar aggregate classification (germline): Likely pathogenic (1 of 4 stars; one submission).

Conditions:
SLC2A2-related disorder. Also called: SLC2A2-related condition.

Submission:

PreventionGenetics, part of Exact Sciences
Classification: Likely pathogenic for SLC2A2-related condition. Last evaluated: 2025-08-27. Review status: criteria provided, single submitter. Criteria: ACMG Guidelines, 2015. Collection method: clinical testing. Allele origin: germline.
Comment: The SLC2A2 c.1170+2T>C variant is predicted to disrupt the GT donor site and interfere with normal splicing. To our knowledge, this variant has not been reported in the literature or in a large population database (gnomAD), indicating this variant is rare. Variants that disrupt the consensus splice donor site in SLC2A2 are expected to be pathogenic. Alternate variants impacting the same consensus donor site (c.1170+1G>T, described as IVS8+1G>T; c.1170+1G>A, described as IVS8+1G>A) have been reported in individuals with Fanconi-Bickel syndrome (Santer et al. 2002. PubMed ID: 11810292; Karamizadeh et al. 2012. PubMed ID: 23271022). This variant is interpreted as likely pathogenic.